The following is an entry in ClinVar:

ClinVar aggregate classification (germline): Pathogenic/Likely pathogenic. Review status: criteria provided, multiple submitters, no conflicts (2 of 4 stars). 4 submissions from 4 submitters: Pathogenic (1); Likely pathogenic (2). 1 of the submissions does not count toward it. Last evaluated 2025-03-04.

Conditions:
Von Hippel-Lindau syndrome (VHLS). Also called: Von Hippel-Lindau; von Hippel–Lindau syndrome; VHL syndrome. Identifiers: Orphanet 892, MedGen C0019562, MONDO:0008667, OMIM 193300. Disease mechanism: loss of function.
Chuvash polycythemia. Also called: POLYCYTHEMIA, VHL-DEPENDENT. Identifiers: Orphanet 238557, MedGen C1837915, MONDO:0009892, OMIM 263400.

Allele frequency attached by ClinVar (database versions not stated): gnomAD exomes below 0.00001.

Submissions (4):

Center for Genomic Medicine, Rigshospitalet, Copenhagen University Hospital
Classification: Likely pathogenic. Last evaluated: 2025-03-04. Review status: criteria provided, single submitter. Criteria: ACMG Guidelines, 2015. Collection method: clinical testing. Allele origin: germline.

Department of Clinical Genetics, Copenhagen University Hospital, Rigshospitalet
Classification: Likely pathogenic for Von Hippel-Lindau syndrome. Last evaluated: 2024-12-04. Review status: criteria provided, single submitter. Criteria: ACMG Guidelines, 2015. Collection method: clinical testing. Allele origin: germline. Affected: yes.
Comment: The following ACMG criteria is used: PM2_SUP; PP3 (spliceAI score > 0.5); PS3_SUP; PS4_MOD; PM1_SUP

Labcorp Genetics (formerly Invitae), Labcorp
Classification: Pathogenic for Von Hippel-Lindau syndrome; Chuvash polycythemia. Last evaluated: 2024-05-22. Review status: criteria provided, single submitter. Criteria: Invitae Variant Classification Sherloc (09022015). Collection method: clinical testing. Allele origin: germline.
Comment: This sequence change replaces valine, which is neutral and non-polar, with methionine, which is neutral and non-polar, at codon 155 of the VHL protein (p.Val155Met). RNA analysis indicates that this missense change induces altered splicing and likely disrupts the C-terminus of the protein. This variant is not present in population databases (gnomAD no frequency). This missense change has been observed in individual(s) with clinical features of von Hippel-Lindau syndrome (PMID: 8634692, 20233476). This variant is also known as c.676G>A. ClinVar contains an entry for this variant (Variation ID: 223219). An algorithm developed to predict the effect of missense changes on protein structure and function (PolyPhen-2) suggests that this variant is likely to be disruptive. Variants that disrupt the consensus splice site are a relatively common cause of aberrant splicing (PMID: 17576681, 9536098). Studies have shown that this missense change results in activation of a cryptic splice site and introduces a new termination codon (Invitae). However the mRNA is not expected to undergo nonsense-mediated decay. This variant disrupts a region of the VHL protein in which other variant(s) (p.Arg161Gln) have been determined to be pathogenic (PMID: 7728151, 9829911, 12000816, 14767570, 15300849, 20120764, 21362373, 23842656, 24707167). This suggests that this is a clinically significant region of the protein, and that variants that disrupt it are likely to be disease-causing. For these reasons, this variant has been classified as Pathogenic.

Genomic Diagnostic Laboratory, Division of Genomic Diagnostics, Children's Hospital of Philadelphia
Classification: Uncertain significance for Von Hippel-Lindau syndrome. Last evaluated: 2016-02-26. Review status: no assertion criteria provided. Collection method: clinical testing. Allele origin: germline. Affected: yes. Observed: 4 variant alleles. Not counted in ClinVar's aggregate classification.

Literature cited by the submitters: PubMed 36715412 (cited by Center for Genomic Medicine, Rigshospitalet, Copenhagen University Hospital); PubMed 8634692 (cited by Department of Clinical Genetics, Copenhagen University Hospital, Rigshospitalet and Labcorp Genetics (formerly Invitae), Labcorp); PubMed 20233476 (cited by Department of Clinical Genetics, Copenhagen University Hospital, Rigshospitalet and Labcorp Genetics (formerly Invitae), Labcorp); PubMed 38969834 (cited by Department of Clinical Genetics, Copenhagen University Hospital, Rigshospitalet); PubMed 17576681 (cited by Labcorp Genetics (formerly Invitae), Labcorp); PubMed 9536098 (cited by Labcorp Genetics (formerly Invitae), Labcorp); PubMed 7728151 (cited by Labcorp Genetics (formerly Invitae), Labcorp); PubMed 9829911 (cited by Labcorp Genetics (formerly Invitae), Labcorp); PubMed 12000816 (cited by Labcorp Genetics (formerly Invitae), Labcorp); PubMed 14767570 (cited by Labcorp Genetics (formerly Invitae), Labcorp); PubMed 15300849 (cited by Labcorp Genetics (formerly Invitae), Labcorp); PubMed 20120764 (cited by Labcorp Genetics (formerly Invitae), Labcorp); PubMed 21362373 (cited by Labcorp Genetics (formerly Invitae), Labcorp); PubMed 23842656 (cited by Labcorp Genetics (formerly Invitae), Labcorp); PubMed 24707167 (cited by Labcorp Genetics (formerly Invitae), Labcorp).

NM_000551.4(VHL):c.463G>A (p.Val155Met)

Genes: VHL (von Hippel-Lindau tumor suppressor; plus strand), LOC107303340 (3p25 von Hippel-Lindau tumor suppressor, E3 ubiquitin protein ligase Alu-mediated recombination region; plus strand). Cytogenetic location: 3p25.3.
Variant type: single nucleotide variant.
Coding change: c.463G>A on transcript NM_000551.4 (MANE Select); coding-DNA position 463, G replaced by A.
Protein change: p.Val155Met; replaces valine 155 with methionine.
Molecular consequence: missense variant. On other transcripts: intron variant (2).
Genome position (GRCh38, 1-based): chr3:10,146,636, G>A. VCF-style: chr3-10146636-G-A. GRCh37 (hg19) VCF-style: chr3-10188320-G-A.
Other names: c.*18-3151G>A (NM_001354723.2); c.341-3151G>A (NM_198156.3); short protein forms V155M.
Identifiers: ClinVar variation 223219 (VCV000223219.9), dbSNP rs869025659, ClinGen allele CA357026.